The following is an entry in ClinVar:

NM_002764.4(PRPS1):c.454C>T (p.Leu152=)

Gene: PRPS1 (phosphoribosyl pyrophosphate synthetase 1; plus strand). Cytogenetic location: Xq22.3.
Variant type: single nucleotide variant.
Coding change: c.454C>T on transcript NM_002764.4 (MANE Select); coding-DNA position 454, C replaced by T.
Protein change: p.Leu152=; no amino-acid change (leucine 152 retained).
Molecular consequence: synonymous variant. On other transcripts: intron variant (1).
Genome position (GRCh38, 1-based): chrX:107,642,414, C>T. VCF-style: chrX-107642414-C-T. GRCh37 (hg19) VCF-style: chrX-106885644-C-T.
Other names: c.-82-2763C>T (NM_001204402.2); c.454C>T (NM_002764.3).
Identifiers: ClinVar variation 1119646 (VCV001119646.10), dbSNP rs772838760, ClinGen allele CA10485640.
Genomic context (GRCh38, chrX:107,642,414, plus strand): 5'-TTCTTTCTACAGGGCTTTTTTGATATCCCAGTAGACAATTTGTATGCAGAGCCGGCTGTC[C>T]TAAAGTGGATAAGGGAGAATATCTCTGAGTGGAGGAACTGCACTATTGTCTCACCTGATG-3'
Protein context (NP_002755.1, residues 142-162): VDNLYAEPAV[Leu152=]KWIRENISEW

ClinVar aggregate classification (germline): Likely benign. Review status: criteria provided, multiple submitters, no conflicts (2 of 4 stars). 2 submissions from 2 submitters: Likely benign (2). Last evaluated 2025-07-03.

Conditions:
PRPS1-related disorder. Also called: PRPS1-related condition.
Charcot-Marie-Tooth Neuropathy X. Identifiers: MedGen CN118851.

Allele frequency attached by ClinVar (database versions not stated): ExAC 0.00001; gnomAD exomes 0.00001 and 0.00002; TOPMed 0.00002; gnomAD 0.00004.
gnomAD v4.1: 21 of 1,209,874 alleles (0.0017%); highest among the groups gnomAD compares: Admixed American, 0.0022%; no homozygotes.

Submissions (2):

PreventionGenetics, part of Exact Sciences
Classification: Likely benign for PRPS1-related condition. Last evaluated: 2025-07-03. Review status: criteria provided, single submitter. Criteria: ACMG Guidelines, 2015. Collection method: clinical testing. Allele origin: germline.
Comment: This variant is classified as likely benign based on ACMG/AMP sequence variant interpretation guidelines (Richards et al. 2015 PMID: 25741868, with internal and published modifications).

Labcorp Genetics (formerly Invitae), Labcorp
Classification: Likely benign for Charcot-Marie-Tooth Neuropathy X. Last evaluated: 2025-06-19. Review status: criteria provided, single submitter. Criteria: Invitae Variant Classification Sherloc (09022015). Collection method: clinical testing. Allele origin: germline.